The following is an entry in ClinVar:

NM_000046.5(ARSB):c.1468G>A (p.Glu490Lys)

Gene: ARSB (arylsulfatase B; minus strand). Cytogenetic location: 5q14.1.
Variant type: single nucleotide variant.
Coding change: c.1468G>A on transcript NM_000046.5 (MANE Select); coding-DNA position 1468, G replaced by A.
Protein change: p.Glu490Lys; replaces glutamic acid 490 with lysine.
Molecular consequence: missense variant.
Genome position (GRCh38, 1-based): chr5:78,780,531, C>T on the plus strand (G>A on the coding strand, the complement: ARSB is on the minus strand). VCF-style: chr5-78780531-C-T. GRCh37 (hg19) VCF-style: chr5-78076354-C-T.
Other names: short protein forms E490K.
Identifiers: ClinVar variation 1348565 (VCV001348565.3), dbSNP rs1226339111, ClinGen allele CA360339048.

ClinVar aggregate classification (germline): Uncertain significance (1 of 4 stars; one submission).

Conditions:
Mucopolysaccharidosis type 6 (MPS6). Also called: MPS 6; Maroteaux Lamy syndrome; MPS VI; N-ACETYLGALACTOSAMINE-4-SULFATASE DEFICIENCY; ARSB DEFICIENCY; ARYLSULFATASE B DEFICIENCY. Identifiers: Orphanet 583, MedGen C0026709, MONDO:0009661, OMIM 253200.

Allele frequency attached by ClinVar (database versions not stated): gnomAD exomes below 0.00001 and 0.00001; gnomAD 0.00001; TOPMed 0.00001.
gnomAD v4.1: 5 of 1,614,044 alleles (0.00031%); highest among the groups gnomAD compares: Admixed American, 0.005%; no homozygotes.

Submission:

Labcorp Genetics (formerly Invitae), Labcorp
Classification: Uncertain significance for Mucopolysaccharidosis type 6. Last evaluated: 2022-06-05. Review status: criteria provided, single submitter. Criteria: Invitae Variant Classification Sherloc (09022015). Collection method: clinical testing. Allele origin: germline.
Comment: This sequence change replaces glutamic acid, which is acidic and polar, with lysine, which is basic and polar, at codon 490 of the ARSB protein (p.Glu490Lys). This variant is present in population databases (no rsID available, gnomAD 0.006%). This variant has not been reported in the literature in individuals affected with ARSB-related conditions. ClinVar contains an entry for this variant (Variation ID: 1348565). Advanced modeling of protein sequence and biophysical properties (such as structural, functional, and spatial information, amino acid conservation, physicochemical variation, residue mobility, and thermodynamic stability) performed at Invitae indicates that this missense variant is not expected to disrupt ARSB protein function. In summary, the available evidence is currently insufficient to determine the role of this variant in disease. Therefore, it has been classified as a Variant of Uncertain Significance.